The following is an entry in ClinVar:

ClinVar aggregate classification (germline): Uncertain significance (1 of 4 stars; one submission).

Allele frequency attached by ClinVar (database versions not stated): gnomAD 0.00001; TOPMed 0.00001.
gnomAD v4.1: 37 of 1,610,410 alleles (0.0023%); highest among the groups gnomAD compares: Non-Finnish European, 0.0031%; no homozygotes.

Submission:

Labcorp Genetics (formerly Invitae), Labcorp
Classification: Uncertain significance. Last evaluated: 2022-05-03. Review status: criteria provided, single submitter. Criteria: Invitae Variant Classification Sherloc (09022015). Collection method: clinical testing. Allele origin: germline.
Comment: Variants that disrupt the consensus splice site are a relatively common cause of aberrant splicing (PMID: 17576681, 9536098). Algorithms developed to predict the effect of sequence changes on RNA splicing suggest that this variant is not likely to affect RNA splicing. This variant has not been reported in the literature in individuals affected with POP1-related conditions. This variant is not present in population databases (gnomAD no frequency). This sequence change falls in intron 9 of the POP1 gene. It does not directly change the encoded amino acid sequence of the POP1 protein. It affects a nucleotide within the consensus splice site. In summary, the available evidence is currently insufficient to determine the role of this variant in disease. Therefore, it has been classified as a Variant of Uncertain Significance.

Literature cited by the submitters: PubMed 17576681; PubMed 9536098.

NM_001145860.2(POP1):c.1363-3C>T

Gene: POP1 (POP1 ribonuclease P/MRP subunit; plus strand). Cytogenetic location: 8q22.2.
Variant type: single nucleotide variant.
Coding change: c.1363-3C>T on transcript NM_001145860.2 (MANE Select); 3 bases into the intron before coding-DNA position 1363, C replaced by T.
Molecular consequence: intron variant.
Genome position (GRCh38, 1-based): chr8:98,140,075, C>T. VCF-style: chr8-98140075-C-T. GRCh37 (hg19) VCF-style: chr8-99152303-C-T.
Other names: c.1363-3C>T (NM_001145861.2, NM_015029.3).
Identifiers: ClinVar variation 1950322 (VCV001950322.5), dbSNP rs766157710, ClinGen allele CA182331399.
Genomic context (GRCh38, chr8:98,140,075, plus strand): 5'-CATGACAAAATTATGAAGGTGGATTCATTGTTCGTCCAGTGAATAGTAGTTGTTATTTTT[C>T]AGGTGGGAGAGGACACAGAGGAGACACCTCACCGCTGGTGGATAGAAACCTGTAAGAAAC-3'